The following is an entry in ClinVar:

NM_017852.5(NLRP2):c.1943_1944del (p.Arg648fs)

Gene: NLRP2 (NLR family pyrin domain containing 2; plus strand). Cytogenetic location: 19q13.42.
Variant type: Deletion.
Coding change: c.1943_1944del on transcript NM_017852.5 (MANE Select); coding-DNA positions 1943 to 1944, 2 bases deleted (GA; older notation c.1943_1944delGA).
Protein change: p.Arg648fs; shifts the reading frame from arginine 648.
Molecular consequence: frameshift variant. On other transcripts: non-coding transcript variant (1).
Genome position (GRCh38, 1-based): chr19:54,983,641-54,983,642, GA deleted. VCF-style (leftmost placement, unchanged base first): chr19-54983640-CGA-C. GRCh37 (hg19) VCF-style: chr19-55495008-CGA-C.
Other names: c.1943_1944del, p.Arg648fs (NM_001174081.3); c.1877_1878del, p.Arg626fs (NM_001174082.3); c.1874_1875del, p.Arg625fs (NM_001174083.2); c.1934_1935del, p.Arg645fs (NM_001348003.2); short protein forms R625fs, R626fs, R645fs, R648fs.
Identifiers: ClinVar variation 3393829 (VCV003393829.1).

ClinVar aggregate classification (germline): Uncertain significance (1 of 4 stars; one submission).

Submission:

GeneDx
Classification: Uncertain significance. Last evaluated: 2024-07-05. Review status: criteria provided, single submitter. Criteria: GeneDx Variant Classification Process June 2021. Collection method: clinical testing. Allele origin: germline. Affected: yes.
Comment: Not observed at significant frequency in large population cohorts (gnomAD); Frameshift variant predicted to result in protein truncation or nonsense mediated decay in a gene or region of a gene for which loss of function is not a well-established mechanism of disease; Has not been previously published as pathogenic or benign to our knowledge